The following is an entry in ClinVar:

ClinVar aggregate classification (germline): Benign/Likely benign. Review status: criteria provided, multiple submitters, no conflicts (2 of 4 stars). 17 submissions from 16 submitters: Benign (4); Likely benign (11). 2 of the submissions do not count toward it. Last evaluated 2026-09-01.

Conditions:
Inborn genetic diseases. Identifiers: MedGen C0950123, MeSH D030342.
Developmental and epileptic encephalopathy, 14 (DEE14). Also called: Early infantile epileptic encephalopathy 14. Identifiers: Orphanet 293181, MedGen C3554195, MONDO:0013989, OMIM 614959.
Autosomal dominant nocturnal frontal lobe epilepsy 5. Also called: Epilepsy, nocturnal frontal lobe, 5; CILIARY DYSKINESIA, PRIMARY, 28, WITHOUT SITUS INVERSUS; CILIARY DYSKINESIA, PRIMARY, 28, WITH SITUS INVERSUS; KCNT1-Related Epilepsy. Identifiers: Orphanet 98784, MedGen C3554306, MONDO:0014002, OMIM 615005.

Allele frequency attached by ClinVar (database versions not stated): 1000 Genomes Project 30x 0.00109; 1000 Genomes Project 0.00120; ExAC 0.00158; ESP Exome Variant Server 0.00223; gnomAD exomes 0.00229 and 0.00299; gnomAD 0.00232 and 0.00233; TOPMed 0.00235.
gnomAD v4.1: 4,552 of 1,552,002 alleles (0.29%); highest among the groups gnomAD compares: Middle Eastern, 0.79%; 10 homozygotes.

Submissions (17):

CeGaT Center for Human Genetics Tuebingen
Classification: Likely benign. Last evaluated: 2026-09-01. Review status: criteria provided, single submitter. Criteria: CeGaT Center For Human Genetics Tuebingen Variant Classification Criteria Version 2. Collection method: clinical testing. Allele origin: germline. Affected: yes. Observed: 27 variant alleles.
Comment: KCNT1: BS1

Labcorp Genetics (formerly Invitae), Labcorp
Classification: Likely benign for Autosomal dominant nocturnal frontal lobe epilepsy 5; Developmental and epileptic encephalopathy, 14. Last evaluated: 2026-02-02. Review status: criteria provided, single submitter. Criteria: Invitae Variant Classification Sherloc (09022015). Collection method: clinical testing. Allele origin: germline.

Blueprint Genetics
Classification: Likely benign. Last evaluated: 2024-11-26. Review status: criteria provided, single submitter. Criteria: ACMG Guidelines, 2015. Collection method: clinical testing. Allele origin: germline.

GeneDx
Classification: Likely benign. Last evaluated: 2022-06-27. Review status: criteria provided, single submitter. Criteria: GeneDx Variant Classification Process June 2021. Collection method: clinical testing. Allele origin: germline. Affected: yes.
Comment: See Variant Classification Assertion Criteria.

Genome-Nilou Lab
Classification: Benign for Developmental and epileptic encephalopathy, 14. Last evaluated: 2022-03-15. Review status: criteria provided, single submitter. Criteria: ACMG Guidelines, 2015. Collection method: clinical testing. Allele origin: germline. Affected: no.

Genome-Nilou Lab
Classification: Benign for Autosomal dominant nocturnal frontal lobe epilepsy 5. Last evaluated: 2022-03-15. Review status: criteria provided, single submitter. Criteria: ACMG Guidelines, 2015. Collection method: clinical testing. Allele origin: germline. Affected: no.

Mendelics
Classification: Likely benign for Developmental and epileptic encephalopathy, 14. Last evaluated: 2019-05-28. Review status: criteria provided, single submitter. Criteria: Mendelics Assertion Criteria 2017. Collection method: clinical testing. Allele origin: unknown.

Athena Diagnostics
Classification: Benign. Last evaluated: 2019-05-15. Review status: criteria provided, single submitter. Criteria: Athena Diagnostics Criteria. Collection method: clinical testing. Allele origin: germline.

Ambry Genetics
Classification: Likely benign for Inborn genetic diseases. Last evaluated: 2019-02-20. Review status: criteria provided, single submitter. Criteria: Ambry Variant Classification Scheme 2023. Collection method: clinical testing. Allele origin: germline.

Mayo Clinic Laboratories, Mayo Clinic
Classification: Benign. Last evaluated: 2019-01-07. Review status: criteria provided, single submitter. Criteria: ACMG Guidelines, 2015. Collection method: clinical testing. Allele origin: germline. Observed: 8 variant alleles.

Center for Pediatric Genomic Medicine, Children's Mercy Hospital and Clinics
Classification: Likely benign. Last evaluated: 2016-11-07. Review status: criteria provided, single submitter. Criteria: ACMG Guidelines, 2015. Collection method: clinical testing. Allele origin: germline.
ClinVar note: Converted during submission from Likely Benign to Likely benign.

Eurofins Ntd Llc (ga)
Classification: Likely benign. Last evaluated: 2015-02-20. Review status: criteria provided, single submitter. Criteria: EGL Classification Definitions 2015. Collection method: clinical testing. Allele origin: germline. Observed: 10 variant alleles, 10 heterozygotes.

Genetic Services Laboratory, University of Chicago
Classification: Likely benign. Last evaluated: 2014-12-15. Review status: criteria provided, single submitter. Criteria: ACMG Guidelines, 2015. Collection method: clinical testing. Allele origin: germline.

Breakthrough Genomics
Classification: Likely benign. Review status: criteria provided, single submitter. Criteria: ACMG Guidelines, 2015. Collection method: not provided. Allele origin: germline. Inheritance: Autosomal dominant inheritance. Affected: yes.

PreventionGenetics, part of Exact Sciences
Classification: Likely benign. Review status: criteria provided, single submitter. Criteria: ACMG Guidelines, 2015. Collection method: clinical testing. Allele origin: germline.

Genome Diagnostics Laboratory, University Medical Center Utrecht
Classification: Likely benign. Review status: no assertion criteria provided. Collection method: clinical testing. Allele origin: germline. Affected: yes. Study: VKGL Data-share Consensus. Not counted in ClinVar's aggregate classification.

Joint Genome Diagnostic Labs from Nijmegen and Maastricht, Radboudumc and MUMC+
Classification: Benign. Review status: no assertion criteria provided. Collection method: clinical testing. Allele origin: germline. Affected: yes. Study: VKGL Data-share Consensus. Not counted in ClinVar's aggregate classification.

Literature cited by the submitters: PubMed 26786403 (cited by Athena Diagnostics).

NM_020822.3(KCNT1):c.2543A>G (p.Glu848Gly)

Gene: KCNT1 (potassium sodium-activated channel subfamily T member 1; plus strand). Cytogenetic location: 9q34.3.
Variant type: single nucleotide variant.
Coding change: c.2543A>G on transcript NM_020822.3 (MANE Select); coding-DNA position 2543, A replaced by G.
Protein change: p.Glu848Gly; replaces glutamic acid 848 with glycine.
Molecular consequence: missense variant.
Genome position (GRCh38, 1-based): chr9:135,778,444, A>G. VCF-style: chr9-135778444-A-G. GRCh37 (hg19) VCF-style: chr9-138670290-A-G.
Other names: p.Glu848Gly; c.2408A>G, p.Glu803Gly (NM_001272003.2); short protein forms E848G, E803G.
Identifiers: ClinVar variation 129358 (VCV000129358.66), dbSNP rs149804567, ClinGen allele CA201902.